The following is an entry in ClinVar:

NM_198253.3(TERT):c.1570C>A (p.Pro524Thr)

Gene: TERT (telomerase reverse transcriptase; minus strand). Cytogenetic location: 5p15.33.
Variant type: single nucleotide variant.
Coding change: c.1570C>A on transcript NM_198253.3 (MANE Select); coding-DNA position 1570, C replaced by A.
Protein change: p.Pro524Thr; replaces proline 524 with threonine.
Molecular consequence: missense variant. On other transcripts: non-coding transcript variant (2).
Genome position (GRCh38, 1-based): chr5:1,293,316, G>T on the plus strand (C>A on the coding strand, the complement: TERT is on the minus strand). VCF-style: chr5-1293316-G-T. GRCh37 (hg19) VCF-style: chr5-1293431-G-T.
Other names: c.1570C>A, p.Pro524Thr (NM_001193376.3); short protein forms P524T.
Identifiers: ClinVar variation 4561507 (VCV004561507.1).
Genomic context (GRCh38, chr5:1,293,316, plus strand): 5'-AGCCCCTACTGCATTCAGCTCTGGGGCCTGGGCCCTCGACGGCCACCACCTCCTCACCTG[G>T]GCTCCTGCGCAGCCAAGCGCAGTCCCGCACGCTCATCTTCCACGTCAGCTCCTGCAGCGA-3'
Protein context (NP_937983.2, residues 514-534): VRDCAWLRRS[Pro524Thr]GVGCVPAAEH

ClinVar aggregate classification (germline): Uncertain significance (1 of 4 stars; one submission).

Conditions:
Dyskeratosis congenita. Identifiers: Orphanet 1775, MedGen C0265965, MONDO:0015780.

Submission:

Ambry Genetics
Classification: Uncertain significance for Dyskeratosis congenita. Last evaluated: 2025-09-23. Review status: criteria provided, single submitter. Criteria: Ambry Variant Classification Scheme 2023. Collection method: clinical testing. Allele origin: germline.
Comment: The p.P524T variant (also known as c.1570C>A), located in coding exon 2 of the TERT gene, results from a C to A substitution at nucleotide position 1570. The proline at codon 524 is replaced by threonine, an amino acid with highly similar properties. This amino acid position is conserved. In addition, the in silico prediction for this alteration is inconclusive. Based on the available evidence, the clinical significance of this variant remains unclear.